The following is an entry in ClinVar:

ClinVar aggregate classification (germline): Uncertain significance. Review status: criteria provided, multiple submitters, no conflicts (2 of 4 stars). 2 submissions from 2 submitters: Uncertain significance (2). Last evaluated 2025-04-08.

Conditions:
Cardiovascular phenotype. Identifiers: MedGen CN230736.

Allele frequency attached by ClinVar (database versions not stated): gnomAD exomes below 0.00001.
gnomAD v4.1: 1 of 1,602,318 alleles (0.000062%); highest among the groups gnomAD compares: South Asian, 0.0011%; no homozygotes.

Submissions (2):

Molecular Diagnostic Laboratory for Inherited Cardiovascular Disease, Montreal Heart Institute
Classification: Uncertain significance for Cardiovascular phenotype. Last evaluated: 2025-04-08. Review status: criteria provided, single submitter. Criteria: ACMG Guidelines, 2015. Collection method: clinical testing. Allele origin: germline. Affected: yes.
Comment: PM2, PP3

GeneDx
Classification: Uncertain significance. Last evaluated: 2019-09-09. Review status: criteria provided, single submitter. Criteria: GeneDx Variant Classification Process June 2021. Collection method: clinical testing. Allele origin: germline. Affected: yes.
Comment: Has not been previously published as pathogenic or benign to our knowledge; Not observed in large population cohorts (Lek et al., 2016); Reported in ClinVar as a variant of uncertain significance (ClinVar Variant ID# 180956; Landrum et al., 2016); In silico analysis, which includes protein predictors and evolutionary conservation, supports a deleterious effect

NM_000256.3(MYBPC3):c.1859G>T (p.Gly620Val)

Gene: MYBPC3 (myosin binding protein C3; minus strand). Cytogenetic location: 11p11.2.
Variant type: single nucleotide variant.
Coding change: c.1859G>T on transcript NM_000256.3 (MANE Select); coding-DNA position 1859, G replaced by T.
Protein change: p.Gly620Val; replaces glycine 620 with valine.
Molecular consequence: missense variant.
Genome position (GRCh38, 1-based): chr11:47,341,176, C>A on the plus strand (G>T on the coding strand, the complement: MYBPC3 is on the minus strand). VCF-style: chr11-47341176-C-A. GRCh37 (hg19) VCF-style: chr11-47362727-C-A.
Other names: p.G620V:GGC>GTC; c.1859G>T, p.Gly620Val (LRG_386t1); short protein forms G620V.
Identifiers: ClinVar variation 180956 (VCV000180956.6), dbSNP rs730880556, ClinGen allele CA011345.